The following is an entry in ClinVar:

ClinVar aggregate classification (germline): Uncertain significance (1 of 4 stars; one submission).

Conditions:
DiGeorge syndrome. Also called: THIRD AND FOURTH PHARYNGEAL POUCH SYNDROME; Catch22. Identifiers: Orphanet 567, MedGen C0012236, MONDO:0008564, OMIM 188400.

Submission:

Labcorp Genetics (formerly Invitae), Labcorp
Classification: Uncertain significance for DiGeorge syndrome. Last evaluated: 2022-07-15. Review status: criteria provided, single submitter. Criteria: Invitae Variant Classification Sherloc (09022015). Collection method: clinical testing. Allele origin: germline.
Comment: This variant, c.166_171dup, results in the insertion of 2 amino acid(s) of the TBX1 protein (p.Ala56_Ala57dup), but otherwise preserves the integrity of the reading frame. In summary, the available evidence is currently insufficient to determine the role of this variant in disease. Therefore, it has been classified as a Variant of Uncertain Significance. Experimental studies and prediction algorithms are not available or were not evaluated, and the functional significance of this variant is currently unknown. ClinVar contains an entry for this variant (Variation ID: 940409). This variant has not been reported in the literature in individuals affected with TBX1-related conditions. The frequency data for this variant in the population databases is considered unreliable, as metrics indicate insufficient coverage at this position in the gnomAD database.

NM_001379200.1(TBX1):c.187GCC[6] (p.Ala65_Ala66dup)

Gene: TBX1 (T-box transcription factor 1; plus strand). Cytogenetic location: 22q11.21.
Variant type: Microsatellite.
Coding change: c.187GCC[6] on transcript NM_001379200.1 (MANE Select); six copies in a row of the 3-base unit GCC starting at c.187; the reference has four copies in a row; two copies, 6 bases duplicated.
Protein change: p.Ala65_Ala66dup.
Molecular consequence: inframe insertion.
Genome position (GRCh38, 1-based): chr22:19,761,036-19,761,041, GCCGCC duplicated; duplicating any 6 consecutive bases within chr22:19,761,029-19,761,041 gives the same sequence; the position shown is the placement nearest the transcript's 3' end. VCF-style (leftmost placement, unchanged base first): chr22-19761028-G-GCGCCGC. GRCh37 (hg19) VCF-style: chr22-19748551-G-GCGCCGC.
Other names: c.166_171dup (NM_080647.1); c.160GCC[6], p.Ala56_Ala57dup (NM_005992.1, NM_080646.2, NM_080647.1).
Identifiers: ClinVar variation 940409 (VCV000940409.5), dbSNP rs1032291296, ClinGen allele CA2396029291.
Genomic context (GRCh38, chr22:19,761,028, plus strand): 5'-CCGGCGCCGACCCGTACGGCCCGCGCGAGCCCCCGCCGCCGCCGCCGCGCTACGACCCGT[G>GCGCCGC]CGCCGCCGCCGCCCCCGGCGCCCCGGGCCCGCCGCCGCCGCCGCACGCCTACCCGTTTGC-3'